The following is an entry in ClinVar:

NM_000321.3(RB1):c.949C>G (p.Leu317Val)

Gene: RB1 (RB transcriptional corepressor 1; plus strand). Cytogenetic location: 13q14.2.
Variant type: single nucleotide variant.
Coding change: c.949C>G on transcript NM_000321.3 (MANE Select); coding-DNA position 949, C replaced by G.
Protein change: p.Leu317Val; replaces leucine 317 with valine.
Molecular consequence: missense variant.
Genome position (GRCh38, 1-based): chr13:48,367,503, C>G. VCF-style: chr13-48367503-C-G. GRCh37 (hg19) VCF-style: chr13-48941639-C-G.
Other names: c.949C>G, p.Leu317Val (NM_001407165.1, NM_001407166.1); short protein forms L317V.
Identifiers: ClinVar variation 3313044 (VCV003313044.3).

ClinVar aggregate classification (germline): Uncertain significance. Review status: criteria provided, multiple submitters, no conflicts (2 of 4 stars). 2 submissions from 2 submitters: Uncertain significance (2). Last evaluated 2024-06-30.

Conditions:
Retinoblastoma (RB1). Also called: RETINOBLASTOMA, SOMATIC. Identifiers: Orphanet 790, MedGen C0035335, MeSH D012175, MONDO:0008380, OMIM 180200, HP:0009919. Disease mechanism: loss of function. Inheritance: Both sporadic and heritable forms are tested..
Hereditary cancer-predisposing syndrome. Also called: Neoplastic Syndromes, Hereditary; Tumor predisposition; Hereditary neoplastic syndrome; Hereditary Cancer Syndrome. Identifiers: Orphanet 140162, MedGen C0027672, MeSH D009386, MONDO:0015356.

Submissions (2):

Labcorp Genetics (formerly Invitae), Labcorp
Classification: Uncertain significance for Retinoblastoma. Last evaluated: 2024-06-30. Review status: criteria provided, single submitter. Criteria: Invitae Variant Classification Sherloc (09022015). Collection method: clinical testing. Allele origin: germline.
Comment: This sequence change replaces leucine, which is neutral and non-polar, with valine, which is neutral and non-polar, at codon 317 of the RB1 protein (p.Leu317Val). This variant is not present in population databases (gnomAD no frequency). This variant has not been reported in the literature in individuals affected with RB1-related conditions. Advanced modeling of protein sequence and biophysical properties (such as structural, functional, and spatial information, amino acid conservation, physicochemical variation, residue mobility, and thermodynamic stability) performed at Invitae indicates that this missense variant is not expected to disrupt RB1 protein function with a negative predictive value of 80%. In summary, the available evidence is currently insufficient to determine the role of this variant in disease. Therefore, it has been classified as a Variant of Uncertain Significance.

Ambry Genetics
Classification: Uncertain significance for Hereditary cancer-predisposing syndrome. Last evaluated: 2024-04-05. Review status: criteria provided, single submitter. Criteria: Ambry Variant Classification Scheme 2023. Collection method: clinical testing. Allele origin: germline.
Comment: The p.L317V variant (also known as c.949C>G), located in coding exon 10 of the RB1 gene, results from a C to G substitution at nucleotide position 949. The leucine at codon 317 is replaced by valine, an amino acid with highly similar properties. This amino acid position is conserved. In addition, the in silico prediction for this alteration is inconclusive. Based on the available evidence, the clinical significance of this variant remains unclear.